The following is an entry in ClinVar:

NM_001791.4(CDC42):c.563G>A (p.Cys188Tyr)

Gene: CDC42 (cell division cycle 42; plus strand). Cytogenetic location: 1p36.12.
Variant type: single nucleotide variant.
Coding change: c.563G>A on transcript NM_001791.4 (MANE Select); coding-DNA position 563, G replaced by A.
Protein change: p.Cys188Tyr; replaces cysteine 188 with tyrosine.
Molecular consequence: missense variant.
Genome position (GRCh38, 1-based): chr1:22,091,504, G>A. VCF-style: chr1-22091504-G-A. GRCh37 (hg19) VCF-style: chr1-22417997-G-A.
Other names: c.563G>A, p.Cys188Tyr (NM_001039802.2); short protein forms C188Y.
Identifiers: ClinVar variation 1203928 (VCV001203928.3), dbSNP rs2124053934, ClinGen allele CA338909852.

ClinVar aggregate classification (germline): Pathogenic (1 of 4 stars; one submission).

Submission:

GeneDx
Classification: Pathogenic. Last evaluated: 2021-05-07. Review status: criteria provided, single submitter. Criteria: GeneDx Variant Classification Process June 2021. Collection method: clinical testing. Allele origin: germline. Affected: yes.
Comment: Not observed in large population cohorts (Lek et al., 2016); In silico analysis, which includes protein predictors and evolutionary conservation, supports a deleterious effect; Has not been previously published as pathogenic or benign to our knowledge